The following is an entry in ClinVar:

NM_019842.4(KCNQ5):c.1358C>T (p.Thr453Ile)

Gene: KCNQ5 (potassium voltage-gated channel subfamily Q member 5; plus strand). Cytogenetic location: 6q13.
Variant type: single nucleotide variant.
Coding change: c.1358C>T on transcript NM_019842.4 (MANE Select); coding-DNA position 1358, C replaced by T.
Protein change: p.Thr453Ile; replaces threonine 453 with isoleucine.
Molecular consequence: missense variant. On other transcripts: intron variant (1).
Genome position (GRCh38, 1-based): chr6:73,133,531, C>T. VCF-style: chr6-73133531-C-T. GRCh37 (hg19) VCF-style: chr6-73843254-C-T.
Other names: c.1331C>T, p.Thr444Ile (NM_001160130.2); c.1388C>T, p.Thr463Ile (NM_001160132.2); c.1415C>T, p.Thr472Ile (NM_001160133.2); c.1247+9019C>T (NM_001160134.2); short protein forms T444I, T453I, T463I, T472I.
Identifiers: ClinVar variation 1600308 (VCV001600308.9), dbSNP rs2150457602, ClinGen allele CA364828275.

ClinVar aggregate classification (germline): Conflicting classifications of pathogenicity. Review status: criteria provided, conflicting classifications (1 of 4 stars). 2 submissions from 2 submitters: Uncertain significance (1); Benign (1). Last evaluated 2023-10-06.

gnomAD v4.1: 1 of 1,614,208 alleles (0.000062%); highest among the groups gnomAD compares: Non-Finnish European, 0.000085%; no homozygotes.

Submissions (2):

Women's Health and Genetics/Laboratory Corporation of America, LabCorp
Classification: Uncertain significance. Last evaluated: 2023-10-06. Review status: criteria provided, single submitter. Criteria: LabCorp Variant Classification Summary - May 2015. Collection method: clinical testing. Allele origin: germline.
Comment: Variant summary: KCNQ5 c.1415C>T (p.Thr472Ile) results in a non-conservative amino acid change located in the potassium channel, voltage dependent, KCNQ, C-terminal domain (IPR013821) of the encoded protein sequence. Three of four in-silico tools predict a damaging effect of the variant on protein function. The variant was absent in 251418 control chromosomes (gnomAD). The available data on variant occurrences in the general population are insufficient to allow any conclusion about variant significance. To our knowledge, no occurrence of c.1415C>T in individuals affected with Intellectual Disability, Autosomal Dominant 46 and no experimental evidence demonstrating its impact on protein function have been reported. One submitter has cited a clinical-significance assessment for this variant to ClinVar after 2014 and has classified the variant as benign. Based on the evidence outlined above, the variant was classified as uncertain significance.

Labcorp Genetics (formerly Invitae), Labcorp
Classification: Benign. Last evaluated: 2022-02-02. Review status: criteria provided, single submitter. Criteria: Invitae Variant Classification Sherloc (09022015). Collection method: clinical testing. Allele origin: germline.